The following is an entry in ClinVar:

NM_001376.5(DYNC1H1):c.8954G>C (p.Cys2985Ser)

Genes: DYNC1H1 (dynein cytoplasmic 1 heavy chain 1; plus strand), LOC126862060 (BRD4-independent group 4 enhancer GRCh37_chr14:102493659-102494858; plus strand). Cytogenetic location: 14q32.31.
Variant type: single nucleotide variant.
Coding change: c.8954G>C on transcript NM_001376.5 (MANE Select); coding-DNA position 8954, G replaced by C.
Protein change: p.Cys2985Ser; replaces cysteine 2985 with serine.
Molecular consequence: missense variant.
Genome position (GRCh38, 1-based): chr14:102,027,450, G>C. VCF-style: chr14-102027450-G-C. GRCh37 (hg19) VCF-style: chr14-102493787-G-C.
Other names: short protein forms C2985S.
Identifiers: ClinVar variation 585814 (VCV000585814.9), dbSNP rs1269870036, ClinGen allele CA391010736.

ClinVar aggregate classification (germline): Uncertain significance. Review status: criteria provided, multiple submitters, no conflicts (2 of 4 stars). 4 submissions from 4 submitters: Uncertain significance (4). Last evaluated 2026-01-29.

Conditions:
DYNC1H1-related disorder. Also called: DYNC1H1-related condition; DYNC1H1-related disorders. Identifiers: MedGen CN381529.
Charcot-Marie-Tooth disease axonal type 2O. Also called: CHARCOT-MARIE-TOOTH NEUROPATHY, AXONAL, TYPE 2O; CHARCOT-MARIE-TOOTH DISEASE, AXONAL, AUTOSOMAL DOMINANT, TYPE 2O; Charcot-Marie-Tooth disease, axonal, type 20; Charcot-Marie-Tooth Neuropathy Type 2O. Identifiers: Orphanet 284232, MedGen C3280220, MONDO:0013644, OMIM 614228.

Allele frequency attached by ClinVar (database versions not stated): TOPMed below 0.00001; gnomAD 0.00001.
gnomAD v4.1: 1 of 1,614,038 alleles (0.000062%); highest among the groups gnomAD compares: Non-Finnish European, 0.000085%; no homozygotes.

Submissions (4):

PreventionGenetics, part of Exact Sciences
Classification: Uncertain significance for DYNC1H1-related condition. Last evaluated: 2026-01-29. Review status: criteria provided, single submitter. Criteria: ACMG Guidelines, 2015. Collection method: clinical testing. Allele origin: germline.
Comment: The DYNC1H1 c.8954G>C variant is predicted to result in the amino acid substitution p.Cys2985Ser. To our knowledge, this variant has not been reported in the literature or in a large population database (gnomAD), indicating this variant is rare. At this time, the clinical significance of this variant is uncertain due to the absence of conclusive functional and genetic evidence.

GeneDx
Classification: Uncertain significance. Last evaluated: 2022-04-06. Review status: criteria provided, single submitter. Criteria: GeneDx Variant Classification Process June 2021. Collection method: clinical testing. Allele origin: germline. Affected: yes.
Comment: Not observed at significant frequency in large population cohorts (gnomAD); In silico analysis supports that this missense variant has a deleterious effect on protein structure/function; Has not been previously published as pathogenic or benign to our knowledge; This variant is associated with the following publications: (PMID: 26100331, 25609763, 25512093)

Labcorp Genetics (formerly Invitae), Labcorp
Classification: Uncertain significance for Charcot-Marie-Tooth disease axonal type 2O. Last evaluated: 2021-08-30. Review status: criteria provided, single submitter. Criteria: Invitae Variant Classification Sherloc (09022015). Collection method: clinical testing. Allele origin: germline.
Comment: This sequence change replaces cysteine with serine at codon 2985 of the DYNC1H1 protein (p.Cys2985Ser). The cysteine residue is highly conserved and there is a moderate physicochemical difference between cysteine and serine. This variant is not present in population databases (ExAC no frequency). This variant has not been reported in the literature in individuals affected with DYNC1H1-related conditions. ClinVar contains an entry for this variant (Variation ID: 585814). Advanced modeling of protein sequence and biophysical properties (such as structural, functional, and spatial information, amino acid conservation, physicochemical variation, residue mobility, and thermodynamic stability) performed at Invitae indicates that this missense variant is not expected to disrupt DYNC1H1 protein function. In summary, the available evidence is currently insufficient to determine the role of this variant in disease. Therefore, it has been classified as a Variant of Uncertain Significance.

Athena Diagnostics
Classification: Uncertain significance. Last evaluated: 2017-12-27. Review status: criteria provided, single submitter. Criteria: Athena Diagnostics Criteria. Collection method: clinical testing. Allele origin: germline.